The following is an entry in ClinVar:

NM_002769.5(PRSS1):c.291C>G (p.Pro97=)

Genes: PRSS1 (serine protease 1; plus strand), TRB (T cell receptor beta locus; plus strand). Cytogenetic location: 7q34.
Variant type: single nucleotide variant.
Coding change: c.291C>G on transcript NM_002769.5 (MANE Select); coding-DNA position 291, C replaced by G.
Protein change: p.Pro97=; no amino-acid change (proline 97 retained).
Molecular consequence: synonymous variant.
Genome position (GRCh38, 1-based): chr7:142,751,864, C>G. VCF-style: chr7-142751864-C-G. GRCh37 (hg19) VCF-style: chr7-142459715-C-G.
Identifiers: ClinVar variation 618336 (VCV000618336.20), dbSNP rs200763933, ClinGen allele CA4529910.

ClinVar aggregate classification (germline): Likely benign. Review status: criteria provided, multiple submitters, no conflicts (2 of 4 stars). 4 submissions from 4 submitters: Likely benign (4). Last evaluated 2025-07-21.

Conditions:
Hereditary pancreatitis (PCTT). Also called: Hereditary chronic pancreatitis; PRSS1-Related Hereditary Pancreatitis. Identifiers: Orphanet 676, MedGen C0238339, MONDO:0008185, OMIM 167800.

Allele frequency attached by ClinVar (database versions not stated): gnomAD 0.00004; TOPMed 0.00006; ESP Exome Variant Server 0.00008.
gnomAD v4.1: 84 of 1,613,948 alleles (0.0052%); highest among the groups gnomAD compares: Admixed American, 0.018%; no homozygotes.

Submissions (4):

Labcorp Genetics (formerly Invitae), Labcorp
Classification: Likely benign for Hereditary pancreatitis. Last evaluated: 2025-07-21. Review status: criteria provided, single submitter. Criteria: Invitae Variant Classification Sherloc (09022015). Collection method: clinical testing. Allele origin: germline.

Blueprint Genetics
Classification: Likely benign. Last evaluated: 2024-07-17. Review status: criteria provided, single submitter. Criteria: ACMG Guidelines, 2015. Collection method: clinical testing. Allele origin: germline.

Ambry Genetics
Classification: Likely benign for Hereditary pancreatitis. Last evaluated: 2020-06-01. Review status: criteria provided, single submitter. Criteria: Ambry Variant Classification Scheme 2023. Collection method: clinical testing. Allele origin: germline.

ARUP Laboratories, Molecular Genetics and Genomics, ARUP Laboratories
Classification: Likely benign. Last evaluated: 2017-08-09. Review status: criteria provided, single submitter. Criteria: ARUP Molecular Germline Variant Investigation Process. Collection method: clinical testing. Allele origin: germline.
Comment: The PRSS1 c.291C>G; p.Pro97Pro variant (rs200763933) has not been described in the literature, or gene-specific databases. It is observed in the general population with overall allele frequencies of 0.008 percent (1/13006 alleles) in the Exome Variant Server, and 0.003 percent (9/277162 alleles) in the Genome Aggregation Database, but is considered a low confidence variant. The c.291C>G variant results in a synonymous substitution, the nucleotide is weakly conserved, and computational algorithms (SpliceSiteFinder-like, MaxEntScan, NNSplice, GeneSplicer, HumanSplicingFinder) do not predict this variant to impact splicing. Taken together, this variant is considered likely benign.